The following is an entry in ClinVar:

ClinVar aggregate classification (germline): Uncertain significance. Review status: criteria provided, multiple submitters, no conflicts (2 of 4 stars). 2 submissions from 2 submitters: Uncertain significance (2). Last evaluated 2024-11-18.

Conditions:
NEB-related disorder. Also called: NEB-related condition; NEB-Related Disorders.
Nemaline myopathy 2 (NEM2). Also called: Nemaline myopathy 2, autosomal recessive. Identifiers: MedGen C1850569, MONDO:0009725, OMIM 256030.

gnomAD v4.1: 6 of 1,611,842 alleles (0.00037%); highest among the groups gnomAD compares: Non-Finnish European, 0.00051%; no homozygotes.

Submissions (2):

PreventionGenetics, part of Exact Sciences
Classification: Uncertain significance for NEB-related condition. Last evaluated: 2024-11-18. Review status: criteria provided, single submitter. Criteria: ACMG Guidelines, 2015. Collection method: clinical testing. Allele origin: germline.
Comment: The NEB c.18191G>T variant is predicted to result in the amino acid substitution p.Gly6064Val. To our knowledge, this variant has not been reported in the literature. This variant is reported in 0.0027% of alleles in individuals of European (Non-Finnish) descent in gnomAD. At this time, the clinical significance of this variant is uncertain due to the absence of conclusive functional and genetic evidence.

Labcorp Genetics (formerly Invitae), Labcorp
Classification: Uncertain significance for Nemaline myopathy 2. Last evaluated: 2024-08-31. Review status: criteria provided, single submitter. Criteria: Invitae Variant Classification Sherloc (09022015). Collection method: clinical testing. Allele origin: germline.
Comment: This sequence change replaces glycine, which is neutral and non-polar, with valine, which is neutral and non-polar, at codon 6064 of the NEB protein (p.Gly6064Val). This variant is present in population databases (rs767230103, gnomAD 0.003%). This variant has not been reported in the literature in individuals affected with NEB-related conditions. Experimental studies and prediction algorithms are not available or were not evaluated, and the functional significance of this variant is currently unknown. In summary, the available evidence is currently insufficient to determine the role of this variant in disease. Therefore, it has been classified as a Variant of Uncertain Significance.

NM_001164508.2(NEB):c.18191G>T (p.Gly6064Val)

Gene: NEB (nebulin; minus strand). Cytogenetic location: 2q23.3.
Variant type: single nucleotide variant.
Coding change: c.18191G>T on transcript NM_001164508.2 (MANE Select); coding-DNA position 18191, G replaced by T.
Protein change: p.Gly6064Val; replaces glycine 6064 with valine.
Molecular consequence: missense variant.
Genome position (GRCh38, 1-based): chr2:151,565,786, C>A on the plus strand (G>T on the coding strand, the complement: NEB is on the minus strand). VCF-style: chr2-151565786-C-A. GRCh37 (hg19) VCF-style: chr2-152422300-C-A.
Other names: c.18191G>T, p.Gly6064Val (NM_001164507.2, NM_001271208.2); c.13088G>T, p.Gly4363Val (NM_004543.5); short protein forms G4363V, G6064V.
Identifiers: ClinVar variation 3619711 (VCV003619711.3).
Genomic context (GRCh38, chr2:151,565,786, plus strand): 5'-ATTTCCTGGTTCTTAGTAACCCTTACATGGTCCACAGAATCCAGTGGGATCCAGCCAATG[C>A]CTCGGAGCCACTCCAGGTCAGCTCTGTAGACATTCTGAGAGCAGGAAGAGAGATATAATG-3'
Protein context (NP_001157980.2, residues 6054-6074): VYRADLEWLR[Gly6064Val]IGWIPLDSVD